The following is an entry in ClinVar:

NM_030665.4(RAI1):c.190G>C (p.Gly64Arg)

Gene: RAI1 (retinoic acid induced 1; plus strand). Cytogenetic location: 17p11.2.
Variant type: single nucleotide variant.
Coding change: c.190G>C on transcript NM_030665.4 (MANE Select); coding-DNA position 190, G replaced by C.
Protein change: p.Gly64Arg; replaces glycine 64 with arginine.
Molecular consequence: missense variant.
Genome position (GRCh38, 1-based): chr17:17,793,138, G>C. VCF-style: chr17-17793138-G-C. GRCh37 (hg19) VCF-style: chr17-17696452-G-C.
Other names: short protein forms G64R.
Identifiers: ClinVar variation 2086549 (VCV002086549.4), dbSNP rs779697086, ClinGen allele CA8418069.
Genomic context (GRCh38, chr17:17,793,138, plus strand): 5'-CGGCTGCTCGCCAAGGACTATTATAACCCGCAGCCTTACCCGAGCTATGAGGGTGGCGCT[G>C]GCACGCCCTCTGGCACTGCAGCCGCGGTGGCCGCCGACAAGTACCACCGAGGCAGCAAGG-3'
Protein context (NP_109590.3, residues 54-74): QPYPSYEGGA[Gly64Arg]TPSGTAAAVA

ClinVar aggregate classification (germline): Uncertain significance (1 of 4 stars; one submission).

Allele frequency attached by ClinVar (database versions not stated): gnomAD exomes below 0.00001; ExAC 0.00001.
gnomAD v4.1: 1 of 1,613,820 alleles (0.000062%); highest among the groups gnomAD compares: Non-Finnish European, 0.000085%; no homozygotes.

Submission:

Labcorp Genetics (formerly Invitae), Labcorp
Classification: Uncertain significance. Last evaluated: 2024-02-20. Review status: criteria provided, single submitter. Criteria: Invitae Variant Classification Sherloc (09022015). Collection method: clinical testing. Allele origin: germline.
Comment: This sequence change replaces glycine, which is neutral and non-polar, with arginine, which is basic and polar, at codon 64 of the RAI1 protein (p.Gly64Arg). This variant is present in population databases (rs779697086, gnomAD 0.0009%). This variant has not been reported in the literature in individuals affected with RAI1-related conditions. ClinVar contains an entry for this variant (Variation ID: 2086549). Advanced modeling of protein sequence and biophysical properties (such as structural, functional, and spatial information, amino acid conservation, physicochemical variation, residue mobility, and thermodynamic stability) performed at Invitae indicates that this missense variant is not expected to disrupt RAI1 protein function with a negative predictive value of 80%. In summary, the available evidence is currently insufficient to determine the role of this variant in disease. Therefore, it has been classified as a Variant of Uncertain Significance.